The following is an entry in ClinVar:

ClinVar aggregate classification (germline): Uncertain significance (1 of 4 stars; one submission).

Allele frequency attached by ClinVar (database versions not stated): gnomAD 0.00001; gnomAD exomes 0.00001; TOPMed 0.00001.
gnomAD v4.1: 13 of 1,613,948 alleles (0.00081%); highest among the groups gnomAD compares: African/African-American, 0.0053%; no homozygotes.

Submission:

Labcorp Genetics (formerly Invitae), Labcorp
Classification: Uncertain significance. Last evaluated: 2024-02-15. Review status: criteria provided, single submitter. Criteria: Invitae Variant Classification Sherloc (09022015). Collection method: clinical testing. Allele origin: germline.
Comment: This sequence change replaces arginine, which is basic and polar, with histidine, which is basic and polar, at codon 2078 of the KMT2A protein (p.Arg2078His). The frequency data for this variant in the population databases is considered unreliable, as metrics indicate poor data quality at this position in the gnomAD database. This variant has not been reported in the literature in individuals affected with KMT2A-related conditions. ClinVar contains an entry for this variant (Variation ID: 1931711). Advanced modeling of protein sequence and biophysical properties (such as structural, functional, and spatial information, amino acid conservation, physicochemical variation, residue mobility, and thermodynamic stability) performed at Invitae indicates that this missense variant is not expected to disrupt KMT2A protein function with a negative predictive value of 95%. In summary, the available evidence is currently insufficient to determine the role of this variant in disease. Therefore, it has been classified as a Variant of Uncertain Significance.

NM_001197104.2(KMT2A):c.6233G>A (p.Arg2078His)

Gene: KMT2A (lysine methyltransferase 2A; plus strand). Cytogenetic location: 11q23.3.
Variant type: single nucleotide variant.
Coding change: c.6233G>A on transcript NM_001197104.2 (MANE Select); coding-DNA position 6233, G replaced by A.
Protein change: p.Arg2078His; replaces arginine 2078 with histidine.
Molecular consequence: missense variant.
Genome position (GRCh38, 1-based): chr11:118,501,061, G>A. VCF-style: chr11-118501061-G-A. GRCh37 (hg19) VCF-style: chr11-118371776-G-A.
Other names: c.6323G>A, p.Arg2108His (NM_001412597.1); c.6224G>A, p.Arg2075His (NM_005933.4); short protein forms R2108H, R2075H, R2078H.
Identifiers: ClinVar variation 1931711 (VCV001931711.5), dbSNP rs1555045451, ClinGen allele CA382801025.
Genomic context (GRCh38, chr11:118,501,061, plus strand): 5'-ACTGGAGCACCACAGATGCTCGCAAGCGCTGTGTATATACATGCAAGATAGTGGAGTGCC[G>A]TCCTCCAGTCGTAGAGCCGGATATCAACAGCACTGTTGAACATGATGAAAACAGGACCAT-3'
Protein context (NP_001184033.1, residues 2068-2088): CVYTCKIVEC[Arg2078His]PPVVEPDINS